The following is an entry in ClinVar:

ClinVar aggregate classification (germline): Uncertain significance (1 of 4 stars; one submission).

Conditions:
Inborn genetic diseases. Identifiers: MedGen C0950123, MeSH D030342.

Submission:

Ambry Genetics
Classification: Uncertain significance for Inborn genetic diseases. Last evaluated: 2025-03-03. Review status: criteria provided, single submitter. Criteria: Ambry Variant Classification Scheme 2023. Collection method: clinical testing. Allele origin: germline.
Comment: The c.1801T>A (p.Y601N) alteration is located in exon 13 (coding exon 13) of the KDM5C gene. This alteration results from a T to A substitution at nucleotide position 1801, causing the tyrosine (Y) at amino acid position 601 to be replaced by an asparagine (N). This variant was not reported in population-based cohorts in the Genome Aggregation Database (gnomAD). This amino acid position is highly conserved in available vertebrate species. This missense alteration is located in a region that has a low rate of benign missense variation (Lek, 2016; Firth, 2009). This alteration is predicted to be deleterious by in silico analysis. Based on insufficient or conflicting evidence, the clinical significance of this alteration remains unclear.

NM_004187.5(KDM5C):c.1801T>A (p.Tyr601Asn)

Gene: KDM5C (lysine demethylase 5C; minus strand). Cytogenetic location: Xp11.22.
Variant type: single nucleotide variant.
Coding change: c.1801T>A on transcript NM_004187.5 (MANE Select); coding-DNA position 1801, T replaced by A.
Protein change: p.Tyr601Asn; replaces tyrosine 601 with asparagine.
Molecular consequence: missense variant. On other transcripts: non-coding transcript variant (3).
Genome position (GRCh38, 1-based): chrX:53,201,919, A>T on the plus strand (T>A on the coding strand, the complement: KDM5C is on the minus strand). VCF-style: chrX-53201919-A-T. GRCh37 (hg19) VCF-style: chrX-53231101-A-T.
Other names: c.1600T>A, p.Tyr534Asn (NM_001146702.2); c.1798T>A, p.Tyr600Asn (NM_001282622.3, NM_001353979.2, NM_001353982.2); c.1801T>A, p.Tyr601Asn (NM_001353978.3, NM_001353981.2, NM_001353984.2); short protein forms Y534N, Y601N, Y600N.
Identifiers: ClinVar variation 3533181 (VCV003533181.2).